The following is an entry in ClinVar:

ClinVar aggregate classification (germline): Uncertain significance. Review status: criteria provided, multiple submitters, no conflicts (2 of 4 stars). 2 submissions from 2 submitters: Uncertain significance (2). Last evaluated 2024-02-16.

Conditions:
Hereditary cancer-predisposing syndrome. Also called: Neoplastic Syndromes, Hereditary; Tumor predisposition; Hereditary Cancer Syndrome; Hereditary neoplastic syndrome. Identifiers: Orphanet 140162, MedGen C0027672, MeSH D009386, MONDO:0015356.
Familial adenomatous polyposis 1 (FAP1). Also called: POLYPOSIS, ADENOMATOUS INTESTINAL; FAMILIAL ADENOMATOUS POLYPOSIS 1, ATTENUATED. Identifiers: MedGen C2713442, MONDO:0021056, OMIM 175100. Disease mechanism: loss of function.

gnomAD v4.1: 1 of 1,614,042 alleles (0.000062%); highest among the groups gnomAD compares: South Asian, 0.0011%; no homozygotes.

Submissions (2):

Baylor Genetics
Classification: Uncertain significance for Familial adenomatous polyposis 1. Last evaluated: 2024-02-16. Review status: criteria provided, single submitter. Criteria: ACMG Guidelines, 2015. Collection method: clinical testing. Allele origin: unknown.

Ambry Genetics
Classification: Uncertain significance for Hereditary cancer-predisposing syndrome. Last evaluated: 2022-03-13. Review status: criteria provided, single submitter. Criteria: Ambry Variant Classification Scheme 2023. Collection method: clinical testing. Allele origin: germline.
Comment: The p.D1003Y variant (also known as c.3007G>T), located in coding exon 15 of the APC gene, results from a G to T substitution at nucleotide position 3007. The aspartic acid at codon 1003 is replaced by tyrosine, an amino acid with highly dissimilar properties. This amino acid position is conserved. In addition, in silico predictors for this gene do not accurately predict pathogenicity. Since supporting evidence is limited at this time, the clinical significance of this alteration remains unclear.

NM_000038.6(APC):c.3007G>T (p.Asp1003Tyr)

Gene: APC (APC regulator of Wnt signaling pathway; plus strand). Cytogenetic location: 5q22.2.
Variant type: single nucleotide variant.
Coding change: c.3007G>T on transcript NM_000038.6 (MANE Select); coding-DNA position 3007, G replaced by T.
Protein change: p.Asp1003Tyr; replaces aspartic acid 1003 with tyrosine.
Molecular consequence: missense variant.
Genome position (GRCh38, 1-based): chr5:112,838,601, G>T. VCF-style: chr5-112838601-G-T. GRCh37 (hg19) VCF-style: chr5-112174298-G-T.
Other names: c.3061G>T, p.Asp1021Tyr (NM_001407448.1, NM_001407449.1, NM_001354896.2 and 1 more transcripts); c.2977G>T, p.Asp993Tyr (NM_001407452.1); c.2830G>T, p.Asp944Tyr (NM_001407453.1, NM_001354901.2); c.2758G>T, p.Asp920Tyr (NM_001407454.1, NM_001407455.1, NM_001407456.1 and 1 more transcripts); c.2986G>T, p.Asp996Tyr (NM_001407451.1); c.3007G>T, p.Asp1003Tyr (NM_001407450.1, NM_001127510.3, NM_001354895.2); c.2953G>T, p.Asp985Tyr (NM_001127511.3); c.3037G>T, p.Asp1013Tyr (NM_001354897.2); and 11 more; short protein forms D1013Y, D962Y, D996Y, D1031Y, D843Y, D877Y, D920Y, D1003Y.
Identifiers: ClinVar variation 1798756 (VCV001798756.3), dbSNP rs564314108, ClinGen allele CA16027910.